The following is an entry in ClinVar:

NM_000142.5(FGFR3):c.2016_2017delinsCT (p.His673Tyr)

Gene: FGFR3 (fibroblast growth factor receptor 3; plus strand). Cytogenetic location: 4p16.3.
Variant type: Indel.
Coding change: c.2016_2017delinsCT on transcript NM_000142.5 (MANE Select); coding-DNA positions 2016 to 2017, TC replaced by CT.
Protein change: p.His673Tyr; replaces histidine 673 with tyrosine.
Molecular consequence: missense variant. On other transcripts: non-coding transcript variant (1), intron variant (1).
Genome position (GRCh38, 1-based): chr4:1,806,313-1,806,314, TC replaced by CT. VCF-style: chr4-1806313-TC-CT. GRCh37 (hg19) VCF-style: chr4-1808040-TC-CT.
Other names: c.2022_2023delinsCT, p.His675Tyr (NM_001163213.2); c.2019_2020delinsCT, p.His674Tyr (NM_001354809.2); c.1680_1681delinsCT, p.His561Tyr (NM_022965.4); c.1962+140_1962+141delinsCT (NM_001354810.2); short protein forms H674Y, H673Y, H675Y, H561Y.
Identifiers: ClinVar variation 2699586 (VCV002699586.3), dbSNP rs2546833836, ClinGen allele CA2697557054.

ClinVar aggregate classification (germline): Uncertain significance (1 of 4 stars; one submission).

Submission:

Labcorp Genetics (formerly Invitae), Labcorp
Classification: Uncertain significance. Last evaluated: 2024-01-10. Review status: criteria provided, single submitter. Criteria: Invitae Variant Classification Sherloc (09022015). Collection method: clinical testing. Allele origin: germline.
Comment: This sequence change replaces histidine, which is basic and polar, with tyrosine, which is neutral and polar, at codon 673 of the FGFR3 protein (p.His673Tyr). Information on the frequency of this variant in the gnomAD database is not available, as this variant may be reported differently in the database. This variant has not been reported in the literature in individuals affected with FGFR3-related conditions. Experimental studies and prediction algorithms are not available or were not evaluated, and the functional significance of this variant is currently unknown. In summary, the available evidence is currently insufficient to determine the role of this variant in disease. Therefore, it has been classified as a Variant of Uncertain Significance.